The following is an entry in ClinVar:

ClinVar aggregate classification (germline): Uncertain significance. Review status: criteria provided, multiple submitters, no conflicts (2 of 4 stars). 2 submissions from 2 submitters: Uncertain significance (2). Last evaluated 2026-01-21.

Conditions:
Inborn genetic diseases. Identifiers: MedGen C0950123, MeSH D030342.

Allele frequency attached by ClinVar (database versions not stated): TOPMed 0.00007; gnomAD 0.00011; ESP Exome Variant Server 0.00023.
gnomAD v4.1: 24 of 1,613,804 alleles (0.0015%); highest among the groups gnomAD compares: African/African-American, 0.031%; no homozygotes.

Submissions (2):

Labcorp Genetics (formerly Invitae), Labcorp
Classification: Uncertain significance. Last evaluated: 2026-01-21. Review status: criteria provided, single submitter. Criteria: Invitae Variant Classification Sherloc (09022015). Collection method: clinical testing. Allele origin: germline.
Comment: This sequence change replaces valine, which is neutral and non-polar, with leucine, which is neutral and non-polar, at codon 56 of the EMC1 protein (p.Val56Leu). This variant is present in population databases (rs139340398, gnomAD 0.02%). This variant has not been reported in the literature in individuals affected with EMC1-related conditions. ClinVar contains an entry for this variant (Variation ID: 1351268). Invitae Evidence Modeling of protein sequence and biophysical properties (such as structural, functional, and spatial information, amino acid conservation, physicochemical variation, residue mobility, and thermodynamic stability) indicates that this missense variant is not expected to disrupt EMC1 protein function with a negative predictive value of 80%. In summary, the available evidence is currently insufficient to determine the role of this variant in disease. Therefore, it has been classified as a Variant of Uncertain Significance.

Ambry Genetics
Classification: Uncertain significance for Inborn genetic diseases. Last evaluated: 2025-10-02. Review status: criteria provided, single submitter. Criteria: Ambry Variant Classification Scheme 2023. Collection method: clinical testing. Allele origin: germline.

NM_015047.3(EMC1):c.166G>C (p.Val56Leu)

Gene: EMC1 (ER membrane protein complex subunit 1; minus strand). Cytogenetic location: 1p36.13.
Variant type: single nucleotide variant.
Coding change: c.166G>C on transcript NM_015047.3 (MANE Select); coding-DNA position 166, G replaced by C.
Protein change: p.Val56Leu; replaces valine 56 with leucine.
Molecular consequence: missense variant.
Genome position (GRCh38, 1-based): chr1:19,244,960, C>G on the plus strand (G>C on the coding strand, the complement: EMC1 is on the minus strand). VCF-style: chr1-19244960-C-G. GRCh37 (hg19) VCF-style: chr1-19571454-C-G.
Other names: c.166G>C, p.Val56Leu (NM_001271427.2, NM_001271428.2, NM_001271429.2 and 2 more transcripts); c.166G>C (NM_015047.1); short protein forms V56L.
Identifiers: ClinVar variation 1351268 (VCV001351268.7), dbSNP rs139340398, ClinGen allele CA653034.